The following is an entry in ClinVar:

ClinVar aggregate classification (germline): Uncertain significance (1 of 4 stars; one submission).

Submission:

Women's Health and Genetics/Laboratory Corporation of America, LabCorp
Classification: Uncertain significance. Last evaluated: 2022-05-19. Review status: criteria provided, single submitter. Criteria: LabCorp Variant Classification Summary - May 2015. Collection method: clinical testing. Allele origin: germline.
Comment: Variant summary: AP3B1 c.2968_2969delinsTT (p.Glu990Leu) results in a non-conservative amino acid change located in the Beta-adaptin appendage, C-terminal subdomain (IPR015151) of the encoded protein sequence. Three of four in-silico tools predict a damaging effect of the variant on protein function. The variant allele was found at a frequency of 4e-06 in 250824 control chromosomes as a multinucleotide variant in cis with 5-77316539-T-A in 1 individual within the gnomAD database. The available data on variant occurrences in the general population are insufficient to allow any conclusion about variant significance. To our knowledge, no occurrence of c.2968_2969delinsTT in individuals affected with Hermansky-Pudlak Syndrome and no experimental evidence demonstrating its impact on protein function have been reported. No clinical diagnostic laboratories have submitted clinical-significance assessments for this variant to ClinVar after 2014. Based on the evidence outlined above, the variant was classified as uncertain significance.

NM_003664.5(AP3B1):c.2968_2969delinsTT (p.Glu990Leu)

Gene: AP3B1 (adaptor related protein complex 3 subunit beta 1; minus strand). Cytogenetic location: 5q14.1.
Variant type: Indel.
Coding change: c.2968_2969delinsTT on transcript NM_003664.5 (MANE Select); coding-DNA positions 2968 to 2969, GA replaced by TT.
Protein change: p.Glu990Leu; replaces glutamic acid 990 with leucine.
Molecular consequence: missense variant.
Genome position (GRCh38, 1-based): chr5:78,020,715-78,020,716, TC replaced by AA on the plus strand (GA replaced by TT on the coding strand, the reverse complement: AP3B1 is on the minus strand). VCF-style: chr5-78020715-TC-AA. GRCh37 (hg19) VCF-style: chr5-77316539-TC-AA.
Other names: c.2821_2822delinsTT, p.Glu941Leu (NM_001271769.2); short protein forms E941L, E990L.
Identifiers: ClinVar variation 1696232 (VCV001696232.1), dbSNP rs2112065832, ClinGen allele CA2580073652.